The following is an entry in ClinVar:

NM_004360.5(CDH1):c.2422G>T (p.Gly808Ter)

Gene: CDH1 (cadherin 1; plus strand). Cytogenetic location: 16q22.1.
Variant type: single nucleotide variant.
Coding change: c.2422G>T on transcript NM_004360.5 (MANE Select); coding-DNA position 2422, G replaced by T.
Protein change: p.Gly808Ter; replaces glycine 808 with a stop codon.
Molecular consequence: nonsense.
Genome position (GRCh38, 1-based): chr16:68,829,780, G>T. VCF-style: chr16-68829780-G-T. GRCh37 (hg19) VCF-style: chr16-68863683-G-T.
Other names: c.2239G>T, p.Gly747Ter (NM_001317184.2); c.874G>T, p.Gly292Ter (NM_001317185.2); c.457G>T, p.Gly153Ter (NM_001317186.2); short protein forms G153*, G292*, G747*, G808*.
Identifiers: ClinVar variation 2583413 (VCV002583413.3), dbSNP rs2152142455, ClinGen allele CA396471315.

ClinVar aggregate classification (germline): Pathogenic. Review status: criteria provided, multiple submitters, no conflicts (2 of 4 stars). 2 submissions from 2 submitters: Pathogenic (2). Last evaluated 2023-06-15.

Conditions:
CDH1-related diffuse gastric and lobular breast cancer syndrome. Also called: CDH1-related diffuse gastric and lobular breast cancer. Identifiers: MedGen CN311521, MONDO:0100488.
Hereditary diffuse gastric adenocarcinoma (HDGC). Also called: DIFFUSE GASTRIC AND LOBULAR BREAST CANCER SYNDROME. Identifiers: Orphanet 26106, MedGen C1708349, MONDO:0007648, OMIM 137215.

Submissions (2):

Myriad Genetics, Inc.
Classification: Pathogenic for Hereditary diffuse gastric adenocarcinoma. Last evaluated: 2023-06-15. Review status: criteria provided, single submitter. Criteria: Myriad Autosomal Dominant, Autosomal Recessive and X-Linked Classification Criteria (2023). Collection method: clinical testing. Allele origin: unknown.
Comment: This variant is considered pathogenic. This variant creates a termination codon and is predicted to result in premature protein truncation.

Department of Pathology and Laboratory Medicine, Sinai Health System
Classification: Pathogenic for CDH1-related diffuse gastric and lobular breast cancer syndrome. Last evaluated: 2021-05-18. Review status: criteria provided, single submitter. Criteria: ACMG Guidelines, 2015. Collection method: clinical testing. Allele origin: germline. Affected: no.